The following is an entry in ClinVar:

NM_021147.5(CCNO):c.165del (p.Gly56fs)

Gene: CCNO (cyclin O; minus strand). Cytogenetic location: 5q11.2.
Variant type: Deletion.
Coding change: c.165del on transcript NM_021147.5 (MANE Select); coding-DNA position 165, one base deleted (C; older notation c.165delC).
Protein change: p.Gly56fs; shifts the reading frame from glycine 56.
Molecular consequence: frameshift variant. On other transcripts: non-coding transcript variant (2).
Genome position (GRCh38, 1-based): chr5:55,233,359, G deleted on the plus strand (C on the coding strand, the reverse complement: CCNO is on the minus strand); the first of 2 consecutive G bases (chr5:55,233,359-55,233,360); deleting either gives the same sequence. VCF-style (leftmost placement, unchanged base first): chr5-55233358-CG-C. GRCh37 (hg19) VCF-style: chr5-54529186-CG-C.
Other names: c.165delC (NM_021147.4); short protein forms G56fs.
Identifiers: ClinVar variation 645504 (VCV000645504.9), dbSNP rs1561121987, ClinGen allele CA559800480.

ClinVar aggregate classification (germline): Pathogenic (1 of 4 stars; one submission).

Conditions:
Primary ciliary dyskinesia. Also called: Ciliary dyskinesia. Identifiers: Orphanet 244, MedGen C0008780, MONDO:0016575, HP:0012265.

Submission:

Labcorp Genetics (formerly Invitae), Labcorp
Classification: Pathogenic for Primary ciliary dyskinesia. Last evaluated: 2021-04-19. Review status: criteria provided, single submitter. Criteria: Invitae Variant Classification Sherloc (09022015). Collection method: clinical testing. Allele origin: germline.
Comment: For these reasons, this variant has been classified as Pathogenic. Loss-of-function variants in CCNO are known to be pathogenic (PMID: 24747639). This variant has been observed in individual(s) with clinical features of primary ciliary dyskinesia (PMID: 26777464). This variant is not present in population databases (ExAC no frequency). This sequence change creates a premature translational stop signal (p.Gly56Alafs*38) in the CCNO gene. It is expected to result in an absent or disrupted protein product.

Literature cited by the submitters: PubMed 24747639; PubMed 26777464.